The following is an entry in ClinVar:

ClinVar aggregate classification (germline): Uncertain significance (1 of 4 stars; one submission).

Conditions:
Hypertrophic cardiomyopathy. Also called: HYPERTROPHIC MYOCARDIOPATHY. Identifiers: Orphanet 217569, MedGen C0007194, MeSH D002312, MONDO:0005045, HP:0001639.

Submission:

Labcorp Genetics (formerly Invitae), Labcorp
Classification: Uncertain significance for Hypertrophic cardiomyopathy. Last evaluated: 2025-10-06. Review status: criteria provided, single submitter. Criteria: Invitae Variant Classification Sherloc (09022015). Collection method: clinical testing. Allele origin: germline.
Comment: This sequence change replaces cysteine, which is neutral and slightly polar, with arginine, which is basic and polar, at codon 1202 of the MYBPC3 protein (p.Cys1202Arg). This variant is not present in population databases (gnomAD no frequency). This variant has not been reported in the literature in individuals affected with MYBPC3-related conditions. An algorithm developed to predict the effect of missense changes on protein structure and function (PolyPhen-2) suggests that this variant is likely to be disruptive. In summary, the available evidence is currently insufficient to determine the role of this variant in disease. Therefore, it has been classified as a Variant of Uncertain Significance.

NM_000256.3(MYBPC3):c.3604T>C (p.Cys1202Arg)

Gene: MYBPC3 (myosin binding protein C3; minus strand). Cytogenetic location: 11p11.2.
Variant type: single nucleotide variant.
Coding change: c.3604T>C on transcript NM_000256.3 (MANE Select); coding-DNA position 3604, T replaced by C.
Protein change: p.Cys1202Arg; replaces cysteine 1202 with arginine.
Molecular consequence: missense variant.
Genome position (GRCh38, 1-based): chr11:47,332,589, A>G on the plus strand (T>C on the coding strand, the complement: MYBPC3 is on the minus strand). VCF-style: chr11-47332589-A-G. GRCh37 (hg19) VCF-style: chr11-47354140-A-G.
Other names: short protein forms C1202R.
Identifiers: ClinVar variation 4728542 (VCV004728542.1).